The following is an entry in ClinVar:

ClinVar aggregate classification (germline): Uncertain significance (1 of 4 stars; one submission).

Allele frequency attached by ClinVar (database versions not stated): gnomAD exomes 0.00007 and 0.00006; ESP Exome Variant Server 0.00008; gnomAD 0.00009 and 0.00010; TOPMed 0.00009; ExAC 0.00006.
gnomAD v4.1: 97 of 1,614,030 alleles (0.006%); highest among the groups gnomAD compares: Admixed American, 0.025%; no homozygotes.

Submission:

Labcorp Genetics (formerly Invitae), Labcorp
Classification: Uncertain significance. Last evaluated: 2024-07-10. Review status: criteria provided, single submitter. Criteria: Invitae Variant Classification Sherloc (09022015). Collection method: clinical testing. Allele origin: germline.
Comment: This sequence change replaces isoleucine, which is neutral and non-polar, with valine, which is neutral and non-polar, at codon 492 of the FTO protein (p.Ile492Val). This variant is present in population databases (rs373102373, gnomAD 0.01%). This missense change has been observed in individual(s) with obesity (PMID: 19833892). ClinVar contains an entry for this variant (Variation ID: 1371612). An algorithm developed to predict the effect of missense changes on protein structure and function outputs the following: PolyPhen-2: "Benign". The valine amino acid residue is found in multiple mammalian species, which suggests that this missense change does not adversely affect protein function. Experimental studies have shown that this missense change does not substantially affect FTO function (PMID: 19833892). In summary, the available evidence is currently insufficient to determine the role of this variant in disease. Therefore, it has been classified as a Variant of Uncertain Significance.

Literature cited by the submitters: PubMed 19833892.

NM_001080432.3(FTO):c.1474A>G (p.Ile492Val)

Gene: FTO (FTO alpha-ketoglutarate dependent dioxygenase; plus strand). Cytogenetic location: 16q12.2.
Variant type: single nucleotide variant.
Coding change: c.1474A>G on transcript NM_001080432.3 (MANE Select); coding-DNA position 1474, A replaced by G.
Protein change: p.Ile492Val; replaces isoleucine 492 with valine.
Molecular consequence: missense variant.
Genome position (GRCh38, 1-based): chr16:54,111,871, A>G. VCF-style: chr16-54111871-A-G. GRCh37 (hg19) VCF-style: chr16-54145783-A-G.
Other names: c.1504A>G, p.Ile502Val (NM_001363891.2); c.1537A>G, p.Ile513Val (NM_001363894.2); c.1456A>G, p.Ile486Val (NM_001363896.2); c.1396A>G, p.Ile466Val (NM_001363897.2); c.1360A>G, p.Ile454Val (NM_001363898.2, NM_001363899.2); c.1330A>G, p.Ile444Val (NM_001363900.2, NM_001363901.2); c.*74A>G (NM_001363903.2); c.961A>G, p.Ile321Val (NM_001363905.2); and 1 more; short protein forms I466V, I513V, I444V, I454V, I486V, I492V, I321V, I502V.
Identifiers: ClinVar variation 1371612 (VCV001371612.4), dbSNP rs373102373, ClinGen allele CA8058639.